The following is an entry in ClinVar:

ClinVar aggregate classification (germline): Uncertain significance. Review status: criteria provided, multiple submitters, no conflicts (2 of 4 stars). 2 submissions from 2 submitters: Uncertain significance (2). Last evaluated 2025-10-23.

Conditions:
Inborn genetic diseases. Identifiers: MedGen C0950123, MeSH D030342.

Allele frequency attached by ClinVar (database versions not stated): TOPMed 0.00003; gnomAD exomes 0.00001; gnomAD 0.00003.
gnomAD v4.1: 15 of 1,610,996 alleles (0.00093%); highest among the groups gnomAD compares: African/African-American, 0.0013%; no homozygotes.

Submissions (2):

Labcorp Genetics (formerly Invitae), Labcorp
Classification: Uncertain significance. Last evaluated: 2025-10-23. Review status: criteria provided, single submitter. Criteria: Invitae Variant Classification Sherloc (09022015). Collection method: clinical testing. Allele origin: germline.
Comment: This sequence change replaces serine, which is neutral and polar, with proline, which is neutral and non-polar, at codon 1095 of the KMT2B protein (p.Ser1095Pro). This variant is present in population databases (no rsID available, gnomAD 0.002%). This variant has not been reported in the literature in individuals affected with KMT2B-related conditions. ClinVar contains an entry for this variant (Variation ID: 1926733). Invitae Evidence Modeling of protein sequence and biophysical properties (such as structural, functional, and spatial information, amino acid conservation, physicochemical variation, residue mobility, and thermodynamic stability) indicates that this missense variant is not expected to disrupt KMT2B protein function with a negative predictive value of 80%. In summary, the available evidence is currently insufficient to determine the role of this variant in disease. Therefore, it has been classified as a Variant of Uncertain Significance.

Ambry Genetics
Classification: Uncertain significance for Inborn genetic diseases. Last evaluated: 2022-09-22. Review status: criteria provided, single submitter. Criteria: Ambry Variant Classification Scheme 2023. Collection method: clinical testing. Allele origin: germline.

NM_014727.3(KMT2B):c.3283T>C (p.Ser1095Pro)

Gene: KMT2B (lysine methyltransferase 2B; plus strand). Cytogenetic location: 19q13.12.
Variant type: single nucleotide variant.
Coding change: c.3283T>C on transcript NM_014727.3 (MANE Select); coding-DNA position 3283, T replaced by C.
Protein change: p.Ser1095Pro; replaces serine 1095 with proline.
Molecular consequence: missense variant.
Genome position (GRCh38, 1-based): chr19:35,723,956, T>C. VCF-style: chr19-35723956-T-C. GRCh37 (hg19) VCF-style: chr19-36214857-T-C.
Other names: short protein forms S1095P.
Identifiers: ClinVar variation 1926733 (VCV001926733.6), dbSNP rs1027250597, ClinGen allele CA307786592.